The following is an entry in ClinVar:

NM_003059.3(SLC22A4):c.744G>C (p.Leu248=)

Genes: MIR3936HG (MIR3936 host gene; minus strand), SLC22A4 (solute carrier family 22 member 4; plus strand). Cytogenetic location: 5q31.1.
Variant type: single nucleotide variant.
Coding change: c.744G>C on transcript NM_003059.3 (MANE Select); coding-DNA position 744, G replaced by C.
Protein change: p.Leu248=; no amino-acid change (leucine 248 retained).
Molecular consequence: synonymous variant.
Genome position (GRCh38, 1-based): chr5:132,322,275, G>C. VCF-style: chr5-132322275-G-C. GRCh37 (hg19) VCF-style: chr5-131657968-G-C.
Other names: c.744G>C (NM_003059.2).
Identifiers: ClinVar variation 2052424 (VCV002052424.5), dbSNP rs751368946, ClinGen allele CA127194980.
Genomic context (GRCh38, chr5:132,322,275, plus strand): 5'-TATATTCTCTACATTAGGAGTGTGCACATTTTTTGCAGTTGGCTATATGCTGCTGCCACT[G>C]TTTGCTTACTTCATCAGAGACTGGCGGATGCTGCTGCTGGCGCTGACGGTGCCGGGAGTG-3'
Protein context (NP_003050.2, residues 238-258): FFAVGYMLLP[Leu248=]FAYFIRDWRM

ClinVar aggregate classification (germline): Likely benign. Review status: criteria provided, multiple submitters, no conflicts (2 of 4 stars). 2 submissions from 2 submitters: Likely benign (2). Last evaluated 2026-03-03.

Conditions:
SLC22A4-related disorder. Also called: SLC22A4-related condition.

Allele frequency attached by ClinVar (database versions not stated): gnomAD 0.00006; TOPMed 0.00008; gnomAD exomes 0.00011.
gnomAD v4.1: 163 of 1,613,976 alleles (0.01%); highest among the groups gnomAD compares: Non-Finnish European, 0.013%; no homozygotes.

Submissions (2):

PreventionGenetics, part of Exact Sciences
Classification: Likely benign for SLC22A4-related condition. Last evaluated: 2026-03-03. Review status: criteria provided, single submitter. Criteria: ACMG Guidelines, 2015. Collection method: clinical testing. Allele origin: germline.
Comment: This variant is classified as likely benign based on ACMG/AMP sequence variant interpretation guidelines (Richards et al. 2015 PMID: 25741868, with internal and published modifications).

Labcorp Genetics (formerly Invitae), Labcorp
Classification: Likely benign. Last evaluated: 2022-06-27. Review status: criteria provided, single submitter. Criteria: Invitae Variant Classification Sherloc (09022015). Collection method: clinical testing. Allele origin: germline.